The following is an entry in ClinVar:

ClinVar aggregate classification (germline): Likely benign. Review status: criteria provided, single submitter (1 of 4 stars). 2 submissions from 2 submitters: Likely benign (1). 1 of the submissions does not count toward it. Last evaluated 2024-05-22.

Conditions:
KSR2-related disorder. Also called: KSR2-related condition.

Allele frequency attached by ClinVar (database versions not stated): gnomAD 0.00004; TOPMed 0.00006.
gnomAD v4.1: 171 of 1,602,402 alleles (0.011%); highest among the groups gnomAD compares: Non-Finnish European, 0.014%; no homozygotes.

Submissions (2):

Labcorp Genetics (formerly Invitae), Labcorp
Classification: Likely benign. Last evaluated: 2024-05-22. Review status: criteria provided, single submitter. Criteria: Invitae Variant Classification Sherloc (09022015). Collection method: clinical testing. Allele origin: germline.

PreventionGenetics, part of Exact Sciences
Classification: Likely benign for KSR2-related condition. Last evaluated: 2024-07-07. Review status: no assertion criteria provided. Collection method: clinical testing. Allele origin: germline. Not counted in ClinVar's aggregate classification.
Comment: This variant is classified as likely benign based on ACMG/AMP sequence variant interpretation guidelines (Richards et al. 2015 PMID: 25741868, with internal and published modifications).

NM_173598.6(KSR2):c.825C>T (p.Gly275=)

Gene: KSR2 (kinase suppressor of ras 2; minus strand). Cytogenetic location: 12q24.23.
Variant type: single nucleotide variant.
Coding change: c.825C>T on transcript NM_173598.6 (MANE Select); coding-DNA position 825, C replaced by T.
Protein change: p.Gly275=; no amino-acid change (glycine 275 retained).
Molecular consequence: synonymous variant.
Genome position (GRCh38, 1-based): chr12:117,761,172, G>A on the plus strand (C>T on the coding strand, the complement: KSR2 is on the minus strand). VCF-style: chr12-117761172-G-A. GRCh37 (hg19) VCF-style: chr12-118198977-G-A.
Identifiers: ClinVar variation 2633740 (VCV002633740.4), dbSNP rs774180954, ClinGen allele CA6816244.
Genomic context (GRCh38, chr12:117,761,172, plus strand): 5'-GGAGGAGGGCGGTGGGGTCCCCGGGGGCTTCAGCTTGTTCTTCTTCCTCATGGGCGGCGT[G>A]CCCGGCGGGGTCACGGTGGTGACGATGTTGGGGGTGCGCGGCGGGGTGCGGACCGCGTGC-3'
Protein context (NP_775869.4, residues 265-285): PNIVTTVTPP[Gly275=]TPPMRKKNKL